The following is an entry in ClinVar:

NM_138387.4(G6PC3):c.849G>A (p.Lys283=)

Gene: G6PC3 (glucose-6-phosphatase catalytic subunit 3; plus strand). Cytogenetic location: 17q21.31.
Variant type: single nucleotide variant.
Coding change: c.849G>A on transcript NM_138387.4 (MANE Select); coding-DNA position 849, G replaced by A.
Protein change: p.Lys283=; no amino-acid change (lysine 283 retained).
Molecular consequence: synonymous variant. On other transcripts: 3 prime UTR variant (1).
Genome position (GRCh38, 1-based): chr17:44,075,851, G>A. VCF-style: chr17-44075851-G-A. GRCh37 (hg19) VCF-style: chr17-42153219-G-A.
Other names: c.*142G>A (NM_001319945.2); c.504G>A, p.Lys168= (NM_001384165.1, NM_001384166.1, NM_001384167.1 and 1 more transcripts).
Identifiers: ClinVar variation 1338095 (VCV001338095.12), dbSNP rs767810900, ClinGen allele CA8596163.

ClinVar aggregate classification (germline): Likely benign. Review status: criteria provided, multiple submitters, no conflicts (2 of 4 stars). 5 submissions from 5 submitters: Likely benign (4). 1 of the submissions does not count toward it. Last evaluated 2026-01-26.

Conditions:
G6PC3-related disorder. Also called: G6PC3-related condition.
Autosomal recessive severe congenital neutropenia due to G6PC3 deficiency. Also called: G6PC3 Deficiency; NEUTROPENIA, SEVERE CONGENITAL, 4, AUTOSOMAL RECESSIVE. Identifiers: Orphanet 331176, MedGen C2751630, MONDO:0012930, OMIM 612541.
Inborn genetic diseases. Identifiers: MedGen C0950123, MeSH D030342.

Allele frequency attached by ClinVar (database versions not stated): gnomAD exomes below 0.00001 and 0.00002; ExAC 0.00002; gnomAD 0.00005 and 0.00006; TOPMed 0.00006.

Submissions (5):

Labcorp Genetics (formerly Invitae), Labcorp
Classification: Likely benign for Autosomal recessive severe congenital neutropenia due to G6PC3 deficiency. Last evaluated: 2026-01-26. Review status: criteria provided, single submitter. Criteria: Invitae Variant Classification Sherloc (09022015). Collection method: clinical testing. Allele origin: germline.

Ambry Genetics
Classification: Likely benign for Inborn genetic diseases. Last evaluated: 2024-11-18. Review status: criteria provided, single submitter. Criteria: Ambry Variant Classification Scheme 2023. Collection method: clinical testing. Allele origin: germline.

Blueprint Genetics
Classification: Likely benign. Last evaluated: 2023-03-09. Review status: criteria provided, single submitter. Criteria: ACMG Guidelines, 2015. Collection method: clinical testing. Allele origin: germline.

Genetic Services Laboratory, University of Chicago
Classification: Likely benign. Last evaluated: 2021-10-01. Review status: criteria provided, single submitter. Criteria: ACMG Guidelines, 2015. Collection method: clinical testing. Allele origin: germline. Affected: no.

PreventionGenetics, part of Exact Sciences
Classification: Likely benign for G6PC3-related condition. Last evaluated: 2023-02-16. Review status: no assertion criteria provided. Collection method: clinical testing. Allele origin: germline. Not counted in ClinVar's aggregate classification.
Comment: This variant is classified as likely benign based on ACMG/AMP sequence variant interpretation guidelines (Richards et al. 2015 PMID: 25741868, with internal and published modifications).